The following is an entry in ClinVar:

ClinVar aggregate classification (germline): Likely pathogenic (1 of 4 stars; one submission).

Conditions:
Glycine encephalopathy. Also called: Nonketotic hyperglycinemia; Non-ketotic hyperglycinemia. Identifiers: Orphanet 407, MedGen C0751748, MONDO:0011612, HP:0008288.

Submission:

Labcorp Genetics (formerly Invitae), Labcorp
Classification: Likely pathogenic for Glycine encephalopathy. Last evaluated: 2022-11-29. Review status: criteria provided, single submitter. Criteria: Invitae Variant Classification Sherloc (09022015). Collection method: clinical testing. Allele origin: germline.
Comment: This sequence change replaces aspartic acid, which is acidic and polar, with histidine, which is basic and polar, at codon 229 of the AMT protein (p.Asp229His). This variant is not present in population databases (gnomAD no frequency). This missense change has been observed in individual(s) with glycine encephalopathy (PMID: 21520333). In at least one individual the data is consistent with being in trans (on the opposite chromosome) from a pathogenic variant. ClinVar contains an entry for this variant (Variation ID: 462900). Advanced modeling of protein sequence and biophysical properties (such as structural, functional, and spatial information, amino acid conservation, physicochemical variation, residue mobility, and thermodynamic stability) performed at Invitae indicates that this missense variant is expected to disrupt AMT protein function. In summary, the currently available evidence indicates that the variant is pathogenic, but additional data are needed to prove that conclusively. Therefore, this variant has been classified as Likely Pathogenic.

Literature cited by the submitters: PubMed 21520333.

NM_000481.4(AMT):c.685G>C (p.Asp229His)

Gene: AMT (aminomethyltransferase; minus strand). Cytogenetic location: 3p21.31.
Variant type: single nucleotide variant.
Coding change: c.685G>C on transcript NM_000481.4 (MANE Select); coding-DNA position 685, G replaced by C.
Protein change: p.Asp229His; replaces aspartic acid 229 with histidine.
Molecular consequence: missense variant. On other transcripts: non-coding transcript variant (1).
Genome position (GRCh38, 1-based): chr3:49,419,271, C>G on the plus strand (G>C on the coding strand, the complement: AMT is on the minus strand). VCF-style: chr3-49419271-C-G. GRCh37 (hg19) VCF-style: chr3-49456704-C-G.
Other names: c.553G>C, p.Asp185His (NM_001164710.2); c.517G>C, p.Asp173His (NM_001164711.2); c.685G>C, p.Asp229His (NM_001164712.2); short protein forms D229H, D173H, D185H.
Identifiers: ClinVar variation 462900 (VCV000462900.5), dbSNP rs1553638463, ClinGen allele CA352790066.